The following is an entry in ClinVar:

ClinVar aggregate classification (germline): Uncertain significance (1 of 4 stars; one submission).

Conditions:
Familial thoracic aortic aneurysm and aortic dissection (TAAD). Also called: Thoracic aortic aneurysms and dissections. Identifiers: Orphanet 91387, MedGen C4707243, MONDO:0019625.

Submission:

Ambry Genetics
Classification: Uncertain significance for Familial thoracic aortic aneurysm and aortic dissection. Last evaluated: 2024-05-06. Review status: criteria provided, single submitter. Criteria: Ambry Variant Classification Scheme 2023. Collection method: clinical testing. Allele origin: germline.
Comment: The p.D198N variant (also known as c.592G>A), located in coding exon 5 of the CBS gene, results from a G to A substitution at nucleotide position 592. The aspartic acid at codon 198 is replaced by asparagine, an amino acid with highly similar properties. This amino acid position is conserved. In addition, the in silico prediction for this alteration is inconclusive. Based on the available evidence, the clinical significance of this variant remains unclear.

NM_000071.3(CBS):c.592G>A (p.Asp198Asn)

Gene: CBS (cystathionine beta-synthase; minus strand). Cytogenetic location: 21q22.3.
Variant type: single nucleotide variant.
Coding change: c.592G>A on transcript NM_000071.3 (MANE Select); coding-DNA position 592, G replaced by A.
Protein change: p.Asp198Asn; replaces aspartic acid 198 with asparagine.
Molecular consequence: missense variant.
Genome position (GRCh38, 1-based): chr21:43,065,461, C>T on the plus strand (G>A on the coding strand, the complement: CBS is on the minus strand). VCF-style: chr21-43065461-C-T. GRCh37 (hg19) VCF-style: chr21-44485571-C-T.
Other names: c.592G>A, p.Asp198Asn (NM_001178008.3, NM_001178009.3, NM_001320298.2); c.277G>A, p.Asp93Asn (NM_001321072.1); short protein forms D198N, D93N.
Identifiers: ClinVar variation 3263664 (VCV003263664.1).